The following is an entry in ClinVar:

NM_016734.3(PAX5):c.927C>G (p.Ser309Arg)

Gene: PAX5 (paired box 5; minus strand). Cytogenetic location: 9p13.2.
Variant type: single nucleotide variant.
Coding change: c.927C>G on transcript NM_016734.3 (MANE Select); coding-DNA position 927, C replaced by G.
Protein change: p.Ser309Arg; replaces serine 309 with arginine.
Molecular consequence: missense variant. On other transcripts: non-coding transcript variant (2), intron variant (6).
Genome position (GRCh38, 1-based): chr9:36,882,089, G>C on the plus strand (C>G on the coding strand, the complement: PAX5 is on the minus strand). VCF-style: chr9-36882089-G-C. GRCh37 (hg19) VCF-style: chr9-36882086-G-C.
Other names: c.927C>G, p.Ser309Arg (NM_001280548.2); c.798C>G, p.Ser266Arg (NM_001280553.2, NM_001280554.2); c.603C>G, p.Ser201Arg (NM_001280556.2); c.586+41266C>G (NM_001280551.2); c.713-35160C>G (NM_001280555.2); c.781-41453C>G (NM_001280550.2); c.781-35160C>G (NM_001280549.2); c.910+41266C>G (NM_001280552.2); and 1 more; short protein forms S266R, S309R, S201R.
Identifiers: ClinVar variation 3885960 (VCV003885960.1).

ClinVar aggregate classification (germline): Uncertain significance (1 of 4 stars; one submission).

Conditions:
Inborn genetic diseases. Identifiers: MedGen C0950123, MeSH D030342.

Submission:

Ambry Genetics
Classification: Uncertain significance for Inborn genetic diseases. Last evaluated: 2025-02-21. Review status: criteria provided, single submitter. Criteria: Ambry Variant Classification Scheme 2023. Collection method: clinical testing. Allele origin: germline.
Comment: The p.S309R variant (also known as c.927C>G), located in coding exon 8 of the PAX5 gene, results from a C to G substitution at nucleotide position 927. The serine at codon 309 is replaced by arginine, an amino acid with dissimilar properties. This amino acid position is conserved. In addition, the in silico prediction for this alteration is inconclusive. Based on the available evidence, the clinical significance of this variant remains unclear.